The following is an entry in ClinVar:

NM_145886.4(PIDD1):c.1962C>T (p.Pro654=)

Gene: PIDD1 (p53-induced death domain protein 1; minus strand). Cytogenetic location: 11p15.5.
Variant type: single nucleotide variant.
Coding change: c.1962C>T on transcript NM_145886.4 (MANE Select); coding-DNA position 1962, C replaced by T.
Protein change: p.Pro654=; no amino-acid change (proline 654 retained).
Molecular consequence: synonymous variant.
Genome position (GRCh38, 1-based): chr11:800,622, G>A on the plus strand (C>T on the coding strand, the complement: PIDD1 is on the minus strand). VCF-style: chr11-800622-G-A. GRCh37 (hg19) VCF-style: chr11-800622-G-A.
Other names: c.1962C>T, p.Pro654= (NM_145887.4).
Identifiers: ClinVar variation 5039414 (VCV005039414.1).

ClinVar aggregate classification (germline): Likely benign (1 of 4 stars; one submission).

gnomAD v4.1: 66 of 1,600,936 alleles (0.0041%); highest among the groups gnomAD compares: Admixed American, 0.032%; no homozygotes.

Submission:

CeGaT Center for Human Genetics Tuebingen
Classification: Likely benign. Last evaluated: 2026-07-01. Review status: criteria provided, single submitter. Criteria: CeGaT Center For Human Genetics Tuebingen Variant Classification Criteria Version 2. Collection method: clinical testing. Allele origin: germline. Affected: yes. Observed: 1 variant allele.
Comment: PIDD1: BP4, BP7